The following is an entry in ClinVar:

ClinVar aggregate classification (germline): Uncertain significance. Review status: criteria provided, multiple submitters, no conflicts (2 of 4 stars). 3 submissions from 3 submitters: Uncertain significance (3). Last evaluated 2024-02-04.

Conditions:
Retinitis pigmentosa 80 (RP80). Identifiers: MedGen C4540439, MONDO:0054708, OMIM 617781.
Saldino-Mainzer syndrome (SRTD9). Also called: Renal dysplasia, retinal pigmentary dystrophy, cerebellar ataxia and skeletal dysplasia; CONORENAL SYNDROME; SHORT-RIB THORACIC DYSPLASIA 9 WITHOUT POLYDACTYLY; short-rib thoracic dysplasia 9 with or without polydactyly. Identifiers: Orphanet 140969, MedGen C1849437, MONDO:0009964, OMIM 266920.
Retinal dystrophy. Also called: Inherited retinal dystrophy. Identifiers: Orphanet 71862, MedGen C0854723, MeSH D058499, MONDO:0019118, HP:0000556.

Allele frequency attached by ClinVar (database versions not stated): gnomAD 0.00001; gnomAD exomes 0.00001; TOPMed 0.00001; ExAC 0.00002.
gnomAD v4.1: 8 of 1,613,968 alleles (0.0005%); highest among the groups gnomAD compares: East Asian, 0.0045%; no homozygotes.

Submissions (3):

Fulgent Genetics
Classification: Uncertain significance for Saldino-Mainzer syndrome; Retinitis pigmentosa 80. Last evaluated: 2024-02-04. Review status: criteria provided, single submitter. Criteria: ACMG Guidelines, 2015. Collection method: clinical testing. Allele origin: germline.

Dept Of Ophthalmology, Nagoya University
Classification: Uncertain significance for Retinal dystrophy. Last evaluated: 2023-10-01. Review status: criteria provided, single submitter. Criteria: Submitter's publication. Collection method: research. Allele origin: germline. Affected: yes.

Labcorp Genetics (formerly Invitae), Labcorp
Classification: Uncertain significance for Saldino-Mainzer syndrome. Last evaluated: 2021-09-19. Review status: criteria provided, single submitter. Criteria: Invitae Variant Classification Sherloc (09022015). Collection method: clinical testing. Allele origin: germline.
Comment: This sequence change replaces arginine with glutamine at codon 760 of the IFT140 protein (p.Arg760Gln). The arginine residue is moderately conserved and there is a small physicochemical difference between arginine and glutamine. This variant is present in population databases (rs780086795, ExAC 0.006%). This variant has not been reported in the literature in individuals affected with IFT140-related conditions. Algorithms developed to predict the effect of missense changes on protein structure and function are either unavailable or do not agree on the potential impact of this missense change (SIFT: "Tolerated"; PolyPhen-2: "Possibly Damaging"; Align-GVGD: "Class C0"). In summary, the available evidence is currently insufficient to determine the role of this variant in disease. Therefore, it has been classified as a Variant of Uncertain Significance.

NM_014714.4(IFT140):c.2279G>A (p.Arg760Gln)

Gene: IFT140 (intraflagellar transport 140; minus strand). Cytogenetic location: 16p13.3.
Variant type: single nucleotide variant.
Coding change: c.2279G>A on transcript NM_014714.4 (MANE Select); coding-DNA position 2279, G replaced by A.
Protein change: p.Arg760Gln; replaces arginine 760 with glutamine.
Molecular consequence: missense variant.
Genome position (GRCh38, 1-based): chr16:1,558,055, C>T on the plus strand (G>A on the coding strand, the complement: IFT140 is on the minus strand). VCF-style: chr16-1558055-C-T. GRCh37 (hg19) VCF-style: chr16-1608056-C-T.
Other names: short protein forms R760Q.
Identifiers: ClinVar variation 1521116 (VCV001521116.5), dbSNP rs780086795, ClinGen allele CA7813949.